The following is an entry in ClinVar:

ClinVar aggregate classification (germline): Conflicting classifications of pathogenicity. Review status: criteria provided, conflicting classifications (1 of 4 stars). 4 submissions from 4 submitters: Uncertain significance (2); Likely benign (2). Last evaluated 2025-12-31.

Conditions:
Inborn genetic diseases. Identifiers: MedGen C0950123, MeSH D030342.
Developmental and epileptic encephalopathy, 14 (DEE14). Also called: Early infantile epileptic encephalopathy 14. Identifiers: Orphanet 293181, MedGen C3554195, MONDO:0013989, OMIM 614959.
Autosomal dominant nocturnal frontal lobe epilepsy 5. Also called: Epilepsy, nocturnal frontal lobe, 5; KCNT1-Related Epilepsy; CILIARY DYSKINESIA, PRIMARY, 28, WITHOUT SITUS INVERSUS; CILIARY DYSKINESIA, PRIMARY, 28, WITH SITUS INVERSUS. Identifiers: Orphanet 98784, MedGen C3554306, MONDO:0014002, OMIM 615005.

Allele frequency attached by ClinVar (database versions not stated): gnomAD 0.00003; gnomAD exomes 0.00003 and 0.00009; ExAC 0.00008; TOPMed 0.00010.
gnomAD v4.1: 60 of 1,570,012 alleles (0.0038%); highest among the groups gnomAD compares: Admixed American, 0.068%; no homozygotes.

Submissions (4):

Labcorp Genetics (formerly Invitae), Labcorp
Classification: Uncertain significance for Autosomal dominant nocturnal frontal lobe epilepsy 5; Developmental and epileptic encephalopathy, 14. Last evaluated: 2025-12-31. Review status: criteria provided, single submitter. Criteria: Invitae Variant Classification Sherloc (09022015). Collection method: clinical testing. Allele origin: germline.
Comment: This sequence change replaces valine, which is neutral and non-polar, with methionine, which is neutral and non-polar, at codon 593 of the KCNT1 protein (p.Val593Met). This variant is present in population databases (rs779590747, gnomAD 0.06%), and has an allele count higher than expected for a pathogenic variant. This variant has not been reported in the literature in individuals affected with KCNT1-related conditions. ClinVar contains an entry for this variant (Variation ID: 374766). Invitae Evidence Modeling of protein sequence and biophysical properties (such as structural, functional, and spatial information, amino acid conservation, physicochemical variation, residue mobility, and thermodynamic stability) indicates that this missense variant is not expected to disrupt KCNT1 protein function with a negative predictive value of 80%. In summary, the available evidence is currently insufficient to determine the role of this variant in disease. Therefore, it has been classified as a Variant of Uncertain Significance.

Ambry Genetics
Classification: Likely benign for Inborn genetic diseases. Last evaluated: 2025-04-14. Review status: criteria provided, single submitter. Criteria: Ambry Variant Classification Scheme 2023. Collection method: clinical testing. Allele origin: germline.

GeneDx
Classification: Likely benign. Last evaluated: 2018-01-19. Review status: criteria provided, single submitter. Criteria: GeneDx Variant Classification (06012015). Collection method: clinical testing. Allele origin: germline. Affected: yes.
Comment: This variant is considered likely benign or benign based on one or more of the following criteria: it is a conservative change, it occurs at a poorly conserved position in the protein, it is predicted to be benign by multiple in silico algorithms, and/or has population frequency not consistent with disease.

CeGaT Center for Human Genetics Tuebingen
Classification: Uncertain significance. Last evaluated: 2016-04-01. Review status: criteria provided, single submitter. Criteria: CeGaT Center For Human Genetics Tuebingen Variant Classification Criteria Version 2. Collection method: clinical testing. Allele origin: germline. Affected: yes. Observed: 1 variant allele.

NM_020822.3(KCNT1):c.1777G>A (p.Val593Met)

Gene: KCNT1 (potassium sodium-activated channel subfamily T member 1; plus strand). Cytogenetic location: 9q34.3.
Variant type: single nucleotide variant.
Coding change: c.1777G>A on transcript NM_020822.3 (MANE Select); coding-DNA position 1777, G replaced by A.
Protein change: p.Val593Met; replaces valine 593 with methionine.
Molecular consequence: missense variant.
Genome position (GRCh38, 1-based): chr9:135,770,864, G>A. VCF-style: chr9-135770864-G-A. GRCh37 (hg19) VCF-style: chr9-138662710-G-A.
Other names: c.1642G>A, p.Val548Met (NM_001272003.2); short protein forms V593M, V548M.
Identifiers: ClinVar variation 374766 (VCV000374766.51), dbSNP rs779590747, ClinGen allele CA5327077.